The following is an entry in ClinVar:

ClinVar aggregate classification (germline): Benign/Likely benign. Review status: criteria provided, multiple submitters, no conflicts (2 of 4 stars). 8 submissions from 7 submitters: Benign (3); Likely benign (5). Last evaluated 2026-06-01.

Conditions:
Adams-Oliver syndrome 5 (AOS5). Identifiers: Orphanet 974, MedGen C4014970, MONDO:0014459, OMIM 616028.
Familial thoracic aortic aneurysm and aortic dissection (TAAD). Also called: Thoracic aortic aneurysms and dissections. Identifiers: Orphanet 91387, MedGen C4707243, MONDO:0019625.
Aortic valve disease 1 (AOVD1). Identifiers: MedGen C3887892, MONDO:0024523, OMIM 109730.

Allele frequency attached by ClinVar (database versions not stated): gnomAD 0.00014 and 0.00021; TOPMed 0.00014; gnomAD exomes 0.00030 and 0.00062; 1000 Genomes Project 30x 0.00031; 1000 Genomes Project 0.00060; ExAC 0.00175.
gnomAD v4.1: 465 of 1,556,182 alleles (0.03%); highest among the groups gnomAD compares: South Asian, 0.32%; 3 homozygotes.

Submissions (8):

CeGaT Center for Human Genetics Tuebingen
Classification: Likely benign. Last evaluated: 2026-06-01. Review status: criteria provided, single submitter. Criteria: CeGaT Center For Human Genetics Tuebingen Variant Classification Criteria Version 2. Collection method: clinical testing. Allele origin: germline. Affected: yes. Observed: 3 variant alleles.
Comment: NOTCH1: BP4, BP7

Labcorp Genetics (formerly Invitae), Labcorp
Classification: Benign for Adams-Oliver syndrome 5. Last evaluated: 2026-02-02. Review status: criteria provided, single submitter. Criteria: Invitae Variant Classification Sherloc (09022015). Collection method: clinical testing. Allele origin: germline.

Blueprint Genetics
Classification: Likely benign. Last evaluated: 2024-02-14. Review status: criteria provided, single submitter. Criteria: ACMG Guidelines, 2015. Collection method: clinical testing. Allele origin: germline.

Genome-Nilou Lab
Classification: Benign for Adams-Oliver syndrome 5. Last evaluated: 2022-03-15. Review status: criteria provided, single submitter. Criteria: ACMG Guidelines, 2015. Collection method: clinical testing. Allele origin: germline. Affected: no.

Genome-Nilou Lab
Classification: Benign for Aortic valve disease 1. Last evaluated: 2022-03-15. Review status: criteria provided, single submitter. Criteria: ACMG Guidelines, 2015. Collection method: clinical testing. Allele origin: germline. Affected: no.

GeneDx
Classification: Likely benign. Last evaluated: 2019-04-22. Review status: criteria provided, single submitter. Criteria: GeneDx Variant Classification Process June 2021. Collection method: clinical testing. Allele origin: germline. Affected: yes.
Comment: In silico analysis, which includes splice predictors and evolutionary conservation, supports that this variant does not alter protein structure/function; Nucleotide substitution has no predicted effect on splicing and is not conserved across species; Has not been previously published as pathogenic or benign to our knowledge

Ambry Genetics
Classification: Likely benign for Familial thoracic aortic aneurysm and aortic dissection. Last evaluated: 2016-07-08. Review status: criteria provided, single submitter. Criteria: Ambry Variant Classification Scheme 2023. Collection method: clinical testing. Allele origin: germline.

Breakthrough Genomics
Classification: Likely benign. Review status: criteria provided, single submitter. Criteria: ACMG Guidelines, 2015. Collection method: not provided. Allele origin: germline. Inheritance: Autosomal dominant inheritance. Affected: yes.

NM_017617.5(NOTCH1):c.156C>T (p.Phe52=)

Gene: NOTCH1 (notch receptor 1; minus strand). Cytogenetic location: 9q34.3.
Variant type: single nucleotide variant.
Coding change: c.156C>T on transcript NM_017617.5 (MANE Select); coding-DNA position 156, C replaced by T.
Protein change: p.Phe52=; no amino-acid change (phenylalanine 52 retained).
Molecular consequence: synonymous variant.
Genome position (GRCh38, 1-based): chr9:136,523,964, G>A on the plus strand (C>T on the coding strand, the complement: NOTCH1 is on the minus strand). VCF-style: chr9-136523964-G-A. GRCh37 (hg19) VCF-style: chr9-139418416-G-A.
Other names: c.156C>T, p.Phe52= (LRG_1122t1).
Identifiers: ClinVar variation 415423 (VCV000415423.42), dbSNP rs536299678, ClinGen allele CA5342238.
Genomic context (GRCh38, chr9:136,523,964, plus strand): 5'-CCCGGCGTTCTTGCAGGGGGTGCTGAGGCACGGGTTGGGGTCCTGGCATCGCGGGCCCAC[G>A]AAGGCCCCGCCACAGCTGTTGGCAGATGTGCCAGGGCAGTTAGTTCCCACCTGCTTCCCC-3'
Protein context (NP_060087.3, residues 42-62): GTEACVCGGA[Phe52=]VGPRCQDPNP